The following is an entry in ClinVar:

NM_001042492.3(NF1):c.5813-4_5817del

Gene: NF1 (neurofibromin 1; plus strand). Cytogenetic location: 17q11.2.
Variant type: Deletion.
Coding change: c.5813-4_5817del on transcript NM_001042492.3 (MANE Select); 4 bases into the intron before coding-DNA position 5813 through coding-DNA position 5817, 9 bases deleted (CCAGGTATT; older notation c.5813-4_5817delCCAGGTATT).
Molecular consequence: splice acceptor variant.
Genome position (GRCh38, 1-based): chr17:31,334,834-31,334,842, CCAGGTATT deleted; deleting any 9 consecutive bases within chr17:31,334,832-31,334,842 gives the same sequence; the c. name uses the placement nearest the transcript's 3' end. VCF-style (leftmost placement, unchanged base first): chr17-31334831-TTTCCAGGTA-T. GRCh37 (hg19) VCF-style: chr17-29661849-TTTCCAGGTA-T.
Other names: c.5750-4_5754del (NM_000267.4).
Identifiers: ClinVar variation 3656687 (VCV003656687.2).

ClinVar aggregate classification (germline): Likely pathogenic (1 of 4 stars; one submission).

Conditions:
Neurofibromatosis, type 1 (NF1). Also called: Peripheral type neurofibromatosis; VON RECKLINGHAUSEN DISEASE; NEUROFIBROMATOSIS, TYPE I, SOMATIC; Neurofibromatosis, type I. Identifiers: Orphanet 636, MedGen C0027831, MONDO:0018975, OMIM 162200. Disease mechanism: loss of function.

Submission:

Labcorp Genetics (formerly Invitae), Labcorp
Classification: Likely pathogenic for Neurofibromatosis, type 1. Last evaluated: 2024-06-15. Review status: criteria provided, single submitter. Criteria: Invitae Variant Classification Sherloc (09022015). Collection method: clinical testing. Allele origin: germline.
Comment: This variant results in the deletion of part of exon 39 (c.5750-4_5754del) of the NF1 gene. It is expected to disrupt RNA splicing. Variants that disrupt the donor or acceptor splice site typically lead to a loss of protein function (PMID: 16199547), and loss-of-function variants in NF1 are known to be pathogenic (PMID: 10712197, 23913538). This variant is not present in population databases (gnomAD no frequency). This variant has been observed in individual(s) with clinical features of neurofibromatosis type I (Invitae). In summary, the currently available evidence indicates that the variant is pathogenic, but additional data are needed to prove that conclusively. Therefore, this variant has been classified as Likely Pathogenic.

Literature cited by the submitters: PubMed 16199547; PubMed 10712197; PubMed 23913538.